The following is an entry in ClinVar:

ClinVar aggregate classification (germline): Pathogenic/Likely pathogenic. Review status: criteria provided, multiple submitters, no conflicts (2 of 4 stars). 2 submissions from 2 submitters: Pathogenic (1); Likely pathogenic (1). Last evaluated 2024-06-10.

Conditions:
Congenital lactic acidosis, Saguenay-Lac-Saint-Jean type (MC4DN5). Also called: CYTOCHROME c OXIDASE DEFICIENCY, FRENCH CANADIAN TYPE; COX DEFICIENCY, FRENCH CANADIAN TYPE; MITOCHONDRIAL COMPLEX IV DEFICIENCY, NUCLEAR TYPE 5. Identifiers: Orphanet 70472, MedGen C1857355, MONDO:0009069, OMIM 220111.

Submissions (2):

Natera, Inc.
Classification: Likely pathogenic for French-Canadian type Leigh syndrome. Last evaluated: 2024-06-10. Review status: criteria provided, single submitter. Criteria: Natera Variant Classification Schema (03/2026). Collection method: clinical testing. Allele origin: germline.
Comment: The c.2293C>T variant in LRPPRC is a nonsense variant predicted to introduce a stop codon at amino acid 765. This variant is expected to result in nonsense mediated decay, truncation, or a dysfunctional protein product. This variant is rare in the general population with a frequency below the threshold expected for the associated phenotype(s). Given the available evidence, this variant is classified as Likely Pathogenic.

Myriad Genetics, Inc.
Classification: Pathogenic for Congenital lactic acidosis, Saguenay-Lac-Saint-Jean type. Last evaluated: 2023-09-19. Review status: criteria provided, single submitter. Criteria: Myriad Autosomal Dominant, Autosomal Recessive and X-Linked Classification Criteria (2023). Collection method: clinical testing. Allele origin: unknown.
Comment: NM_133259.3(LRPPRC):c.2293C>T(Q765*) is expected to be pathogenic in the context of Leigh syndrome, French-Canadian type. This variant is predicted to lead to an abnormal or absent protein product due to the creation of a premature termination codon in LRPPRC, a gene where loss-of-function variants are known to be pathogenic. Please note: this variant was assessed in the context of healthy population screening.

NM_133259.4(LRPPRC):c.2293C>T (p.Gln765Ter)

Gene: LRPPRC (leucine rich pentatricopeptide repeat containing; minus strand). Cytogenetic location: 2p21.
Variant type: single nucleotide variant.
Coding change: c.2293C>T on transcript NM_133259.4 (MANE Select); coding-DNA position 2293, C replaced by T.
Protein change: p.Gln765Ter; replaces glutamine 765 with a stop codon.
Molecular consequence: nonsense.
Genome position (GRCh38, 1-based): chr2:43,945,335, G>A on the plus strand (C>T on the coding strand, the complement: LRPPRC is on the minus strand). VCF-style: chr2-43945335-G-A. GRCh37 (hg19) VCF-style: chr2-44172474-G-A.
Other names: short protein forms Q765*.
Identifiers: ClinVar variation 4816485 (VCV004816485.2).
Genomic context (GRCh38, chr2:43,945,335, plus strand): 5'-GTTATTCCAGTGGCAAGATACTTGCATCACATATTTCCTTTATGTGCTGAGGCTTACCTT[G>A]GAGCTTGCCATGCTTTGCCAATACTCTTACAAGGCCTACATACTTGCCGGTGTCAAGGAC-3'